The following is an entry in ClinVar:

ClinVar aggregate classification (germline): Likely benign. Review status: criteria provided, multiple submitters, no conflicts (2 of 4 stars). 2 submissions from 2 submitters: Likely benign (2). Last evaluated 2026-01-01.

Allele frequency attached by ClinVar (database versions not stated): gnomAD 0.00004; ESP Exome Variant Server 0.00008; ExAC 0.00009; gnomAD exomes 0.00009 and 0.00016; TOPMed 0.00009.
gnomAD v4.1: 64 of 1,613,312 alleles (0.004%); highest among the groups gnomAD compares: Admixed American, 0.1%; 1 homozygote.

Submissions (2):

CeGaT Center for Human Genetics Tuebingen
Classification: Likely benign. Last evaluated: 2026-01-01. Review status: criteria provided, single submitter. Criteria: CeGaT Center For Human Genetics Tuebingen Variant Classification Criteria Version 2. Collection method: clinical testing. Allele origin: germline. Affected: yes. Observed: 1 variant allele.
Comment: KNL1: BP4, BP7

Labcorp Genetics (formerly Invitae), Labcorp
Classification: Likely benign. Last evaluated: 2018-01-05. Review status: criteria provided, single submitter. Criteria: Invitae Variant Classification Sherloc (09022015). Collection method: clinical testing. Allele origin: germline.

NM_144508.5(KNL1):c.519G>A (p.Lys173=)

Gene: KNL1 (kinetochore scaffold 1; plus strand). Cytogenetic location: 15q15.1.
Variant type: single nucleotide variant.
Coding change: c.519G>A on transcript NM_144508.5 (MANE Select); coding-DNA position 519, G replaced by A.
Protein change: p.Lys173=; no amino-acid change (lysine 173 retained).
Molecular consequence: synonymous variant.
Genome position (GRCh38, 1-based): chr15:40,620,783, G>A. VCF-style: chr15-40620783-G-A. GRCh37 (hg19) VCF-style: chr15-40912981-G-A.
Other names: c.597G>A, p.Lys199= (NM_170589.5).
Identifiers: ClinVar variation 782720 (VCV000782720.7), dbSNP rs375479916, ClinGen allele CA7482529.
Genomic context (GRCh38, chr15:40,620,783, plus strand): 5'-GACATCAAGTCACACTGTAATGATTACCAAAGGCCTTTTAGATAATCCCATAAGTGAAAA[G>A]TCCACCAAGATAGATACCACATCATTTCTAGCTAATTTAAAGCTTCACACCGAGGACTCA-3'
Protein context (NP_653091.3, residues 163-183): KGLLDNPISE[Lys173=]STKIDTTSFL